The following is an entry in ClinVar:

ClinVar aggregate classification (germline): Uncertain significance. Review status: criteria provided, multiple submitters, no conflicts (2 of 4 stars). 2 submissions from 2 submitters: Uncertain significance (2). Last evaluated 2023-10-01.

Allele frequency attached by ClinVar (database versions not stated): gnomAD 0.00001; gnomAD exomes 0.00001; TOPMed 0.00001.
gnomAD v4.1: 19 of 1,613,574 alleles (0.0012%); highest among the groups gnomAD compares: East Asian, 0.0022%; no homozygotes.

Submissions (2):

CeGaT Center for Human Genetics Tuebingen
Classification: Uncertain significance. Last evaluated: 2023-10-01. Review status: criteria provided, single submitter. Criteria: CeGaT Center For Human Genetics Tuebingen Variant Classification Criteria Version 2. Collection method: clinical testing. Allele origin: germline. Affected: yes. Observed: 1 variant allele.

Labcorp Genetics (formerly Invitae), Labcorp
Classification: Uncertain significance. Last evaluated: 2022-02-09. Review status: criteria provided, single submitter. Criteria: Invitae Variant Classification Sherloc (09022015). Collection method: clinical testing. Allele origin: germline.
Comment: In summary, the available evidence is currently insufficient to determine the role of this variant in disease. Therefore, it has been classified as a Variant of Uncertain Significance. Advanced modeling of protein sequence and biophysical properties (such as structural, functional, and spatial information, amino acid conservation, physicochemical variation, residue mobility, and thermodynamic stability) performed at Invitae indicates that this missense variant is not expected to disrupt CLCN2 protein function. This variant has not been reported in the literature in individuals affected with CLCN2-related conditions. This variant is not present in population databases (gnomAD no frequency). This sequence change replaces leucine, which is neutral and non-polar, with proline, which is neutral and non-polar, at codon 43 of the CLCN2 protein (p.Leu43Pro).

NM_004366.6(CLCN2):c.128T>C (p.Leu43Pro)

Gene: CLCN2 (chloride voltage-gated channel 2; minus strand). Cytogenetic location: 3q27.1.
Variant type: single nucleotide variant.
Coding change: c.128T>C on transcript NM_004366.6 (MANE Select); coding-DNA position 128, T replaced by C.
Protein change: p.Leu43Pro; replaces leucine 43 with proline.
Molecular consequence: missense variant.
Genome position (GRCh38, 1-based): chr3:184,359,067, A>G on the plus strand (T>C on the coding strand, the complement: CLCN2 is on the minus strand). VCF-style: chr3-184359067-A-G. GRCh37 (hg19) VCF-style: chr3-184076855-A-G.
Other names: c.128T>C, p.Leu43Pro (NM_001171087.3, NM_001171088.3, NM_001171089.3); short protein forms L43P.
Identifiers: ClinVar variation 1373406 (VCV001373406.28), dbSNP rs986050814, ClinGen allele CA88900217.